The following is an entry in ClinVar:

NM_001692.4(ATP6V1B1):c.612_616del (p.Leu206fs)

Gene: ATP6V1B1 (ATPase H+ transporting V1 subunit B1; plus strand). Cytogenetic location: 2p13.3.
Variant type: Deletion.
Coding change: c.612_616del on transcript NM_001692.4 (MANE Select); coding-DNA positions 612 to 616, 5 bases deleted (GGGGC; older notation c.612_616delGGGGC).
Protein change: p.Leu206fs; shifts the reading frame from leucine 206.
Molecular consequence: frameshift variant.
Genome position (GRCh38, 1-based): chr2:70,960,947-70,960,951, GGGGC deleted; deleting any 5 consecutive bases within chr2:70,960,944-70,960,951 gives the same sequence; the c. name uses the placement nearest the transcript's 3' end. VCF-style (leftmost placement, unchanged base first): chr2-70960943-AGGCGG-A. GRCh37 (hg19) VCF-style: chr2-71188073-AGGCGG-A.
Other names: short protein forms L206fs.
Identifiers: ClinVar variation 2092192 (VCV002092192.4), dbSNP rs2466293861, ClinGen allele CA2580067750.

ClinVar aggregate classification (germline): Pathogenic (1 of 4 stars; one submission).

Submission:

Labcorp Genetics (formerly Invitae), Labcorp
Classification: Pathogenic. Last evaluated: 2022-02-02. Review status: criteria provided, single submitter. Criteria: Invitae Variant Classification Sherloc (09022015). Collection method: clinical testing. Allele origin: germline.
Comment: For these reasons, this variant has been classified as Pathogenic. This variant has not been reported in the literature in individuals affected with ATP6V1B1-related conditions. This variant is not present in population databases (gnomAD no frequency). This sequence change creates a premature translational stop signal (p.Leu206Glufs*11) in the ATP6V1B1 gene. It is expected to result in an absent or disrupted protein product. Loss-of-function variants in ATP6V1B1 are known to be pathogenic (PMID: 9916796, 18368028).

Literature cited by the submitters: PubMed 9916796; PubMed 18368028.